The following is an entry in ClinVar:

ClinVar aggregate classification (germline): Uncertain significance. Review status: criteria provided, multiple submitters, no conflicts (2 of 4 stars). 2 submissions from 2 submitters: Uncertain significance (2). Last evaluated 2023-06-13.

Conditions:
Refsum disease, classic. Also called: PHYH-Related Refsum Disease; HEREDOPATHIA ATACTICA POLYNEURITIFORMIS; HMSN IV; PHYTANIC ACID OXIDASE DEFICIENCY. Identifiers: Orphanet 773, MedGen C5780941, MONDO:1060256, OMIM 266500. Disease mechanism: loss of function.

Allele frequency attached by ClinVar (database versions not stated): gnomAD 0.00001; gnomAD exomes 0.00001; TOPMed 0.00002.
gnomAD v4.1: 9 of 1,613,870 alleles (0.00056%); highest among the groups gnomAD compares: Middle Eastern, 0.017%; no homozygotes.

Submissions (2):

Intergen Genetics and Rare Diseases Diagnosis Center
Classification: Uncertain significance for Refsum disease, classic. Last evaluated: 2023-06-13. Review status: criteria provided, single submitter. Criteria: ACMG Guidelines, 2015. Collection method: clinical testing. Allele origin: germline. Inheritance: Autosomal recessive inheritance. Affected: no. Observed: 1 heterozygote.

Labcorp Genetics (formerly Invitae), Labcorp
Classification: Uncertain significance. Last evaluated: 2022-08-19. Review status: criteria provided, single submitter. Criteria: Invitae Variant Classification Sherloc (09022015). Collection method: clinical testing. Allele origin: germline.
Comment: This sequence change replaces threonine, which is neutral and polar, with methionine, which is neutral and non-polar, at codon 169 of the PHYH protein (p.Thr169Met). This variant is not present in population databases (gnomAD no frequency). This variant has not been reported in the literature in individuals affected with PHYH-related conditions. ClinVar contains an entry for this variant (Variation ID: 1420459). Algorithms developed to predict the effect of missense changes on protein structure and function are either unavailable or do not agree on the potential impact of this missense change (SIFT: "Deleterious"; PolyPhen-2: "Probably Damaging"; Align-GVGD: "Class C15"). In summary, the available evidence is currently insufficient to determine the role of this variant in disease. Therefore, it has been classified as a Variant of Uncertain Significance.

NM_006214.4(PHYH):c.506C>T (p.Thr169Met)

Gene: PHYH (phytanoyl-CoA 2-hydroxylase; minus strand). Cytogenetic location: 10p13.
Variant type: single nucleotide variant.
Coding change: c.506C>T on transcript NM_006214.4 (MANE Select); coding-DNA position 506, C replaced by T.
Protein change: p.Thr169Met; replaces threonine 169 with methionine.
Molecular consequence: missense variant. On other transcripts: intron variant (1).
Genome position (GRCh38, 1-based): chr10:13,288,532, G>A on the plus strand (C>T on the coding strand, the complement: PHYH is on the minus strand). VCF-style: chr10-13288532-G-A. GRCh37 (hg19) VCF-style: chr10-13330532-G-A.
Other names: c.206C>T, p.Thr69Met (NM_001037537.2, NM_001323080.2); c.512C>T, p.Thr171Met (NM_001323082.2); c.212C>T, p.Thr71Met (NM_001323084.2); c.415-4693C>T (NM_001323083.2); short protein forms T171M, T71M, T169M, T69M.
Identifiers: ClinVar variation 1420459 (VCV001420459.4), dbSNP rs1002598201, ClinGen allele CA203279799.